The following is an entry in ClinVar:

ClinVar aggregate classification (germline): Benign. Review status: criteria provided, multiple submitters, no conflicts (2 of 4 stars). 5 submissions from 5 submitters: Benign (4). 1 of the submissions does not count toward it. Last evaluated 2026-02-01.

Conditions:
DNMT3B-related disorder. Also called: DNMT3B-related condition.
Immunodeficiency-centromeric instability-facial anomalies syndrome 1 (ICF1). Identifiers: Orphanet 2268, MedGen C4551557, MONDO:0009454, OMIM 242860.
Centromeric instability of chromosomes 1,9 and 16 and immunodeficiency (ICF1). Also called: Immunodeficiency-centromeric instability-facial anomalies; CENTROMERIC INSTABILITY, IMMUNODEFICIENCY SYNDROME; IMMUNE DEFICIENCY, VARIABLE, WITH CENTROMERIC INSTABILITY OF CHROMOSOMES 1, 9, AND 16; IMMUNODEFICIENCY SYNDROME, VARIABLE. Identifiers: Orphanet 2268, MedGen C0398788, MONDO:0000133.

Allele frequency attached by ClinVar (database versions not stated): TOPMed 0.02032; ESP Exome Variant Server 0.02268; 1000 Genomes Project 0.02296; 1000 Genomes Project 30x 0.02561.
gnomAD v4.1: 5,852 of 1,614,128 alleles (0.36%); highest among the groups gnomAD compares: African/African-American, 6.4%; 149 homozygotes.

Submissions (9):

Labcorp Genetics (formerly Invitae), Labcorp
Classification: Benign for Centromeric instability of chromosomes 1,9 and 16 and immunodeficiency. Last evaluated: 2026-02-01. Review status: criteria provided, single submitter. Criteria: Invitae Variant Classification Sherloc (09022015). Collection method: clinical testing. Allele origin: germline.

ARUP Laboratories, Molecular Genetics and Genomics, ARUP Laboratories
Classification: Benign. Last evaluated: 2025-03-13. Review status: criteria provided, single submitter. Criteria: ARUP Molecular Germline Variant Investigation Process 2024. Collection method: clinical testing. Allele origin: germline.

Illumina Laboratory Services, Illumina
Classification: Benign for Immunodeficiency-centromeric instability-facial anomalies syndrome 1. Last evaluated: 2018-01-12. Review status: criteria provided, single submitter. Criteria: ICSL Variant Classification Criteria 13 December 2019. Collection method: clinical testing. Allele origin: germline.
Comment: This variant was observed in the ICSL laboratory as part of a predisposition screen in an ostensibly healthy population. It had not been previously curated by ICSL or reported in the Human Gene Mutation Database (HGMD: prior to June 1st, 2018), and was therefore a candidate for classification through an automated scoring system. Utilizing variant allele frequency, disease prevalence and penetrance estimates, and inheritance mode, an automated score was calculated to assess if this variant is too frequent to cause the disease. Based on the score and internal cut-off values, a variant classified as benign is not then subjected to further curation. The score for this variant resulted in a classification of benign for this disease.

Breakthrough Genomics
Classification: Benign. Review status: criteria provided, single submitter. Criteria: ACMG Guidelines, 2015. Collection method: not provided. Allele origin: germline. Inheritance: Autosomal recessive inheritance. Affected: yes.

PreventionGenetics, part of Exact Sciences
Classification: Benign for DNMT3B-related condition. Last evaluated: 2019-04-30. Review status: no assertion criteria provided. Collection method: clinical testing. Allele origin: germline. Not counted in ClinVar's aggregate classification.
Comment: This variant is classified as benign based on ACMG/AMP sequence variant interpretation guidelines (Richards et al. 2015 PMID: 25741868, with internal and published modifications).

Dr. Peter K. Rogan Lab, Western University
No classification provided (evidence only). Condition: Uterine corpus endometrial carcinoma. Review status: no classification provided. Collection method: in vitro. Allele origin: not applicable. Functional consequence: retained intron. Not counted in ClinVar's aggregate classification.

Dr. Peter K. Rogan Lab, Western University
No classification provided (evidence only). Condition: Uterine corpus endometrial carcinoma. Review status: no classification provided. Collection method: in vitro. Allele origin: not applicable. Functional consequence: retained intron. Not counted in ClinVar's aggregate classification.

Dr. Peter K. Rogan Lab, Western University
No classification provided (evidence only). Condition: Cervical cancer. Review status: no classification provided. Collection method: in vitro. Allele origin: not applicable. Functional consequence: retained intron. Not counted in ClinVar's aggregate classification.

Dr. Peter K. Rogan Lab, Western University
No classification provided (evidence only). Condition: Sarcoma. Review status: no classification provided. Collection method: in vitro. Allele origin: not applicable. Functional consequence: retained intron. Not counted in ClinVar's aggregate classification.

NM_006892.4(DNMT3B):c.1760-8C>G

Gene: DNMT3B (DNA methyltransferase 3 beta; plus strand). Cytogenetic location: 20q11.21.
Variant type: single nucleotide variant.
Coding change: c.1760-8C>G on transcript NM_006892.4 (MANE Select); 8 bases into the intron before coding-DNA position 1760, C replaced by G.
Molecular consequence: intron variant.
Genome position (GRCh38, 1-based): chr20:32,800,145, C>G. VCF-style: chr20-32800145-C-G. GRCh37 (hg19) VCF-style: chr20-31387951-C-G.
Other names: c.1700-8C>G (NM_175848.2, NM_175849.2); c.1574-8C>G (NM_001207055.2); c.1472-8C>G (NM_001207056.2); c.1736-8C>G (NM_175850.3).
Identifiers: ClinVar variation 338173 (VCV000338173.27), dbSNP rs2424926, ClinGen allele CA9810706.